The following is an entry in ClinVar:

NM_000059.4(BRCA2):c.8009C>T (p.Ser2670Leu)

Gene: BRCA2 (BRCA2 DNA repair associated; plus strand). Cytogenetic location: 13q13.1.
Variant type: single nucleotide variant.
Coding change: c.8009C>T on transcript NM_000059.4 (MANE Select); coding-DNA position 8009, C replaced by T.
Protein change: p.Ser2670Leu; replaces serine 2670 with leucine.
Molecular consequence: missense variant.
Genome position (GRCh38, 1-based): chr13:32,363,211, C>T. VCF-style: chr13-32363211-C-T. GRCh37 (hg19) VCF-style: chr13-32937348-C-T.
Other names: p.S2670L:TCG>TTG; 8237C>T; short protein forms S2670L.
Identifiers: ClinVar variation 52471 (VCV000052471.63), dbSNP rs80359035, ClinGen allele CA025401.

ClinVar aggregate classification (germline): Pathogenic/Likely pathogenic. Review status: criteria provided, multiple submitters, no conflicts (2 of 4 stars). 27 submissions from 27 submitters: Pathogenic (11); Likely pathogenic (9). 7 of the submissions do not count toward it. Last evaluated 2026-10-12.

Conditions:
Inherited breast cancer and ovarian cancer.
BRCA2-related disorder. Also called: BRCA2-related condition; BRCA2-related disorders. Identifiers: MedGen CN239275.
Fanconi anemia complementation group D1. Also called: BRCA2-Related Fanconi Anemia. Identifiers: Orphanet 319462, MedGen C1838457, MONDO:0011584, OMIM 605724.
Pancreatic cancer, susceptibility to, 2. Identifiers: Orphanet 1333, MedGen C3150546, MONDO:0013235, OMIM 613347.
Glioma susceptibility 3 (GLM3). Also called: Glioblastoma 3. Identifiers: Orphanet 182067, Orphanet 360, MedGen C2751641, MONDO:0013093, OMIM 613029.
Familial cancer of breast. Also called: hereditary breast carcinoma; Hereditary breast cancer; BREAST CANCER, FAMILIAL. Identifiers: Orphanet 227535, MedGen C0346153, MONDO:0016419, OMIM 114480. Disease mechanism: loss of function.
Medulloblastoma (MDB). Also called: MEDULLOBLASTOMA PREDISPOSITION SYNDROME; Medulloblastoma, somatic. Identifiers: Orphanet 616, MedGen C0025149, MeSH D008527, MONDO:0007959, OMIM 155255, HP:0002885.
Wilms tumor 1 (WT1). Also called: Wilms tumor, somatic. Identifiers: Orphanet 654, MedGen CN033288, MONDO:0008679, OMIM 194070.
Breast-ovarian cancer, familial, susceptibility to, 2 (BROVCA2). Also called: BRCA2 Hereditary Breast and Ovarian Cancer. Identifiers: Orphanet 145, MedGen C2675520, MONDO:0012933, OMIM 612555. Disease mechanism: loss of function.
Prostate cancer. Also called: Malignant tumor of prostate. Identifiers: Orphanet 1331, MedGen C0376358, MONDO:0008315, HP:0012125.
Hereditary breast ovarian cancer syndrome. Also called: Breast and ovarian cancer; Hereditary breast and ovarian cancer syndrome; Hereditary breast and ovarian cancer syndrome (HBOC); BRCA1- and BRCA2-Associated Hereditary Breast and Ovarian Cancer; Hereditary breast and ovarian cancer; Hereditary breast and/or ovarian cancer syndrome. Identifiers: Orphanet 145, MedGen C0677776, MeSH D061325, MONDO:0003582. Disease mechanism: loss of function.
Hereditary cancer-predisposing syndrome. Also called: Hereditary Cancer Syndrome; Neoplastic Syndromes, Hereditary; Hereditary neoplastic syndrome; Tumor predisposition. Identifiers: Orphanet 140162, MedGen C0027672, MeSH D009386, MONDO:0015356.
Breast-ovarian cancer, familial, susceptibility to, 1 (BROVCA1). Also called: BRCA1 Hereditary Breast and Ovarian Cancer; OVARIAN CANCER, SUSCEPTIBILITY TO. Identifiers: Orphanet 145, MedGen C2676676, MONDO:0011450, OMIM 604370. Disease mechanism: loss of function.
Malignant tumor of breast. Also called: Malignant breast neoplasm; Cancer breast. Identifiers: MedGen C0006142, MONDO:0007254. Disease mechanism: loss of function.

Allele frequency attached by ClinVar (database versions not stated): gnomAD exomes below 0.00001; gnomAD 0.00001.
gnomAD v4.1: 4 of 1,613,428 alleles (0.00025%); highest among the groups gnomAD compares: South Asian, 0.0022%; no homozygotes.

Submissions 1 to 6 of 27:

Cambridge Genomics Laboratory, East Genomic Laboratory Hub, NHS Genomic Medicine Service
Classification: Pathogenic for Inherited breast cancer and ovarian cancer. Last evaluated: 2026-10-12. Review status: criteria provided, single submitter. Criteria: ACGS Best Practice Guidelines for Variant Classification in Rare Disease 2020. Collection method: clinical testing. Allele origin: germline. Affected: yes.
Comment: PS3,PS4,PP4_Very Strong

GeneDx
Classification: Likely pathogenic. Last evaluated: 2026-09-14. Review status: criteria provided, single submitter. Criteria: GeneDx Variant Classification Process June 2021. Collection method: clinical testing. Allele origin: germline.
Comment: Observed in individuals with a personal and/or family history of breast and/or ovarian cancer (PMID: 16489001, 23096355, 22895247, 22895246, 26250392, 26287763, 26187060, 28294317, 28176296, 28724667, 30254663, 32856869, 32438681, 31742824, 35155181, 35641994, 35864222, 36881271); Observed in trans with a pathogenic BRCA2 variant in individuals with Fanconi anemia, but also in the unaffected sibling of one of these individuals (PMID: 24735155, 25639900); Published functional studies demonstrate a damaging effect: impaired homology directed repair activity and sensitivity to PARP inhibitors (PMID: 29394989, 29884841, 32444794); Multifactorial likelihood analysis suggests this variant is likely pathogenic (PMID: 31131967, 34597585); In silico analysis suggests that this missense variant does not alter protein structure/function; Variant demonstrated aberrant splicing, resulting in a minor amount of partial skipping of exon 18 (PMID: 28339459); Not observed at significant frequency in large population cohorts (gnomAD); Also known as 8237C>T; This variant is associated with the following publications: (PMID: 15131399, 26187060, 26250392, 26681312, 24249303, 28591715, 24735155, 34717758, 21702907, 22895246, 16489001, 23096355, 25639900, 26287763, 19043619, 23303603, 22895247, 28476184, 28281021, 28724667, 16489007, 18951461, 29395620, 28176296, 28294317, 30254663, 29884841, 30702160, 32444794, 32318955, 32438681, 32772458, 31742824, 28692638, 33293522, 32856869, 31825140, 32467295, 30787465, 34597585, 35665744, 35861108, 31131967, 35864222, 35155181, 29394989, 36881271, 37789896, 35641994, 32073954, 28339459, 34235180, 37937776, 36721989, 33471991, 34413315, 33461583, 36367610, 12228710, 38671360, 38948361, 33850850, 38324470, 39663109, 40688164, 31843900)

Labcorp Genetics (formerly Invitae), Labcorp
Classification: Likely pathogenic for Hereditary breast ovarian cancer syndrome. Last evaluated: 2026-01-11. Review status: criteria provided, single submitter. Criteria: Invitae Variant Classification Sherloc (09022015). Collection method: clinical testing. Allele origin: germline.
Comment: This sequence change replaces serine, which is neutral and polar, with leucine, which is neutral and non-polar, at codon 2670 of the BRCA2 protein (p.Ser2670Leu). This variant is not present in population databases (gnomAD no frequency). This missense change has been observed in individual(s) with a personal or family history of breast and/or ovarian cancer or Fanconi anemia (PMID: 15131399, 22895246, 23096355, 24249303, 24735155, 26187060, 26250392, 28176296, 31409081, 31742824, 31843900, 34717758). In at least one individual the data is consistent with being in trans (on the opposite chromosome) from a pathogenic variant. This variant is also known as 8237C>T. ClinVar contains an entry for this variant (Variation ID: 52471). Based on a multifactorial likelihood algorithm using genetic, in silico, and/or statistical data, this variant has been determined to have a high probability of being pathogenic (PMID: 31131967). Experimental studies have shown that this missense change affects BRCA2 function (PMID: 19043619, 29394989, 32444794). Studies have shown that this missense change is associated with inconclusive levels of altered splicing (PMID: 28339459, 31191615; internal data). In summary, the currently available evidence indicates that the variant is pathogenic, but additional data are needed to prove that conclusively. Therefore, this variant has been classified as Likely Pathogenic.

Dasa
Classification: Pathogenic for Breast-ovarian cancer, familial, susceptibility to, 2. Last evaluated: 2025-10-11. Review status: criteria provided, single submitter. Criteria: DASA Assertion Criteria. Collection method: clinical testing. Allele origin: germline.
Comment: NM_000059.4(BRCA2):c.8009C>T (p.Ser2670Leu) is a missense variant that results in the substitution of serine with leucine. Segregation evidence has been reported in affected families. This variant has been observed in affected individuals with Breast-ovarian cancer, familial, susceptibility to, 2 in a genotype context consistent with recessive disease (PMID: 25639900; PMID: 24735155). Functional evidence supports a deleterious effect on the gene or gene product (PMID: 25639900; PMID: 24735155). This variant has been recurrently observed in individuals with Breast-ovarian cancer, familial, susceptibility to, 2 (PMID: 25639900; PMID: 24735155). Multiple computational predictions support a deleterious effect on the gene or gene product. The variant is present at low frequency in population datasets. Based on the available data, this variant is classified as pathogenic.

GeneKor MSA
Classification: Likely pathogenic for Hereditary breast ovarian cancer syndrome. Last evaluated: 2025-06-23. Review status: criteria provided, single submitter. Criteria: ACMG Guidelines, 2015. Collection method: clinical testing. Allele origin: germline. Affected: yes.
Comment: This sequence change replaces Serine with Leucine at codon 2670 of the BRCA2 protein. This variant is not present in the population databases (rs80359035) but is described in mutation database ClinVar (VCV000052471.53). This missense change has been observed in individual(s) with a personal and/or family history of breast and/or ovarian cancer or Fanconi anemia (PMID:15131399, 22895246, 23096355, 24249303, 24735155, 26187060, 26250392, 28176296, 31409081, 31742824, 31843900, 34717758). Advanced modeling of protein sequence and biophysical properties indicates that this missense variant is expected to disrupt BRCA2 protein function. Studies have shown that this variant is associated with altered splicing, but the impact on the resulting protein product is unknown (PMID:19043619, 29394989, 32444794).Based on an algorithm this variant has been determined to have a high probability of being pathogenic (PMID:31131967). Based on the classification criteria set by the ACMG and AMP (PMID:25741868) this variant has been classified as likely pathogenic.

Center for Genomic Medicine, Rigshospitalet, Copenhagen University Hospital
Classification: Likely pathogenic. Last evaluated: 2025-03-04. Review status: criteria provided, single submitter. Criteria: ACMG Guidelines, 2015. Collection method: clinical testing. Allele origin: germline.